The following is an entry in ClinVar:

NM_001290321.3(DMXL1):c.6117A>C (p.Val2039=)

Gene: DMXL1 (Dmx like 1; plus strand). Cytogenetic location: 5q23.1.
Variant type: single nucleotide variant.
Coding change: c.6117A>C on transcript NM_001290321.3 (MANE Select); coding-DNA position 6117, A replaced by C.
Protein change: p.Val2039=; no amino-acid change (valine 2039 retained).
Molecular consequence: synonymous variant. On other transcripts: non-coding transcript variant (3).
Genome position (GRCh38, 1-based): chr5:119,170,908, A>C. VCF-style: chr5-119170908-A-C. GRCh37 (hg19) VCF-style: chr5-118506603-A-C.
Other names: c.6117A>C, p.Val2039= (NM_001349239.2, NM_001349240.2, NM_001387933.1 and 2 more transcripts); c.5412A>C, p.Val1804= (NM_001387937.1); c.5130A>C, p.Val1710= (NM_001387938.1).
Identifiers: ClinVar variation 3060202 (VCV003060202.2), dbSNP rs9791089, ClinGen allele CA3380502.
Genomic context (GRCh38, chr5:119,170,908, plus strand): 5'-ATCAGAAGATATAATTGCAGTTCAGTTAAAATTTAGAGCATGTTTAAAGATTCTCACAGT[A>C]GAACTTCGTACTTTATCTACTGGCTATGAAATAGATGGTGGAAAATTGCGTTACCAACTA-3'
Protein context (NP_001277250.1, residues 2029-2049): KFRACLKILT[Val2039=]ELRTLSTGYE

ClinVar aggregate classification (germline): Benign (0 of 4 stars; one submission).

Conditions:
DMXL1-related disorder. Also called: DMXL1-related condition.

Allele frequency attached by ClinVar (database versions not stated): ESP Exome Variant Server 0.03968; TOPMed 0.06148; gnomAD 0.06430; gnomAD exomes 0.06779; ExAC 0.08841; 1000 Genomes Project 30x 0.10618; 1000 Genomes Project 0.11462.

Submission:

PreventionGenetics, part of Exact Sciences
Classification: Benign for DMXL1-related condition. Last evaluated: 2019-02-20. Review status: no assertion criteria provided. Collection method: clinical testing. Allele origin: germline.
Comment: This variant is classified as benign based on ACMG/AMP sequence variant interpretation guidelines (Richards et al. 2015 PMID: 25741868, with internal and published modifications).